The following is an entry in ClinVar:

NM_002769.5(PRSS1):c.126T>A (p.Asn42Lys)

Genes: PRSS1 (serine protease 1; plus strand), TRB (T cell receptor beta locus; plus strand). Cytogenetic location: 7q34.
Variant type: single nucleotide variant.
Coding change: c.126T>A on transcript NM_002769.5 (MANE Select); coding-DNA position 126, T replaced by A.
Protein change: p.Asn42Lys; replaces asparagine 42 with lysine.
Molecular consequence: missense variant. On other transcripts: non-coding transcript variant (4).
Genome position (GRCh38, 1-based): chr7:142,750,640, T>A. VCF-style: chr7-142750640-T-A. GRCh37 (hg19) VCF-style: chr7-142458491-T-A.
Other names: short protein forms N42K.
Identifiers: ClinVar variation 3426342 (VCV003426342.1).
Genomic context (GRCh38, chr7:142,750,640, plus strand): 5'-CAAGATCGTTGGGGGCTACAACTGTGAGGAGAATTCTGTCCCCTACCAGGTGTCCCTGAA[T>A]TCTGGCTACCACTTCTGTGGTGGCTCCCTCATCAACGAACAGTGGGTGGTATCAGCAGGC-3'
Protein context (NP_002760.1, residues 32-52): ENSVPYQVSL[Asn42Lys]SGYHFCGGSL

ClinVar aggregate classification (germline): Uncertain significance (1 of 4 stars; one submission).

Conditions:
Hereditary pancreatitis (PCTT). Also called: Hereditary chronic pancreatitis; PRSS1-Related Hereditary Pancreatitis. Identifiers: Orphanet 676, MedGen C0238339, MONDO:0008185, OMIM 167800.

gnomAD v4.1: 5 of 1,614,042 alleles (0.00031%); highest among the groups gnomAD compares: Non-Finnish European, 0.00034%; no homozygotes.

Submission:

Ambry Genetics
Classification: Uncertain significance for Hereditary pancreatitis. Last evaluated: 2024-11-11. Review status: criteria provided, single submitter. Criteria: Ambry Variant Classification Scheme 2023. Collection method: clinical testing. Allele origin: germline.
Comment: The p.N42K variant (also known as c.126T>A), located in coding exon 2 of the PRSS1 gene, results from a T to A substitution at nucleotide position 126. The asparagine at codon 42 is replaced by lysine, an amino acid with similar properties. This amino acid position is conserved. In addition, this alteration is predicted to be tolerated by in silico analysis. Based on the available evidence, the clinical significance of this variant remains unclear.